The following is an entry in ClinVar:

NM_000814.6(GABRB3):c.217G>C (p.Asp73His)

Gene: GABRB3 (gamma-aminobutyric acid type A receptor subunit beta3; minus strand). Cytogenetic location: 15q12.
Variant type: single nucleotide variant.
Coding change: c.217G>C on transcript NM_000814.6 (MANE Select); coding-DNA position 217, G replaced by C.
Protein change: p.Asp73His; replaces aspartic acid 73 with histidine.
Molecular consequence: missense variant. On other transcripts: 5 prime UTR variant (1).
Genome position (GRCh38, 1-based): chr15:26,772,425, C>G on the plus strand (G>C on the coding strand, the complement: GABRB3 is on the minus strand). VCF-style: chr15-26772425-C-G. GRCh37 (hg19) VCF-style: chr15-27017572-C-G.
Other names: c.-135G>C (NM_001278631.2); c.217G>C, p.Asp73His (NM_021912.5); short protein forms D73H.
Identifiers: ClinVar variation 409958 (VCV000409958.10), dbSNP rs768859258, ClinGen allele CA16614336.

ClinVar aggregate classification (germline): Uncertain significance (1 of 4 stars; one submission).

Conditions:
Epilepsy, childhood absence, susceptibility to, 1. Also called: Epilepsy, childhood absence 1. Identifiers: Orphanet 64280, MedGen C1838604, MONDO:0020759, OMIM 600131.
Epilepsy, childhood absence, susceptibility to, 5. Identifiers: Orphanet 64280, MedGen C2677087, MONDO:0012843, OMIM 612269.

Allele frequency attached by ClinVar (database versions not stated): gnomAD exomes below 0.00001; gnomAD 0.00001; TOPMed 0.00002.
gnomAD v4.1: 4 of 1,610,252 alleles (0.00025%); highest among the groups gnomAD compares: African/African-American, 0.0013%; no homozygotes.

Submission:

Labcorp Genetics (formerly Invitae), Labcorp
Classification: Uncertain significance for Epilepsy, childhood absence, susceptibility to, 5; Epilepsy, childhood absence, susceptibility to, 1. Last evaluated: 2025-10-29. Review status: criteria provided, single submitter. Criteria: Invitae Variant Classification Sherloc (09022015). Collection method: clinical testing. Allele origin: germline.
Comment: This sequence change replaces aspartic acid, which is acidic and polar, with histidine, which is basic and polar, at codon 73 of the GABRB3 protein (p.Asp73His). This variant is not present in population databases (gnomAD no frequency). This variant has not been reported in the literature in individuals affected with GABRB3-related conditions. ClinVar contains an entry for this variant (Variation ID: 409958). Invitae Evidence Modeling of protein sequence and biophysical properties (such as structural, functional, and spatial information, amino acid conservation, physicochemical variation, residue mobility, and thermodynamic stability) has been performed for this missense variant. However, the output from this modeling did not meet the statistical confidence thresholds required to predict the impact of this variant on GABRB3 protein function. In summary, the available evidence is currently insufficient to determine the role of this variant in disease. Therefore, it has been classified as a Variant of Uncertain Significance.